The following is an entry in ClinVar:

NM_182961.4(SYNE1):c.23956A>G (p.Met7986Val)

Gene: SYNE1 (spectrin repeat containing nuclear envelope protein 1; minus strand). Cytogenetic location: 6q25.2.
Variant type: single nucleotide variant.
Coding change: c.23956A>G on transcript NM_182961.4 (MANE Select); coding-DNA position 23956, A replaced by G.
Protein change: p.Met7986Val; replaces methionine 7986 with valine.
Molecular consequence: missense variant.
Genome position (GRCh38, 1-based): chr6:152,155,932, T>C on the plus strand (A>G on the coding strand, the complement: SYNE1 is on the minus strand). VCF-style: chr6-152155932-T-C. GRCh37 (hg19) VCF-style: chr6-152477067-T-C.
Other names: c.562A>G, p.Met188Val (NM_001347701.2); c.421A>G, p.Met141Val (NM_001347702.2); c.23743A>G, p.Met7915Val (NM_033071.5); short protein forms M7915V, M141V, M188V, M7986V.
Identifiers: ClinVar variation 1901143 (VCV001901143.7), dbSNP rs140784556, ClinGen allele CA4053311.

ClinVar aggregate classification (germline): Uncertain significance. Review status: criteria provided, multiple submitters, no conflicts (2 of 4 stars). 3 submissions from 3 submitters: Uncertain significance (3). Last evaluated 2025-11-17.

Conditions:
Emery-Dreifuss muscular dystrophy 4, autosomal dominant (EDMD4). Also called: EMERY-DREIFUSS MUSCULAR DYSTROPHY 4 WITH VARIABLE FEATURES. Identifiers: Orphanet 261, MedGen C2751807, MONDO:0013071, OMIM 612998.
Autosomal recessive ataxia, Beauce type. Also called: SYNE1-Related Autosomal Recessive Cerebellar Ataxia; SYNE1 Deficiency; Spinocerebellar ataxia, autosomal recessive 8; ATAXIA, RECESSIVE, OF BEAUCE. Identifiers: Orphanet 88644, MedGen C1853116, MONDO:0012549, OMIM 610743.

Allele frequency attached by ClinVar (database versions not stated): ExAC 0.00001; gnomAD 0.00001; TOPMed 0.00001; gnomAD exomes 0.00003; ESP Exome Variant Server 0.00008.
gnomAD v4.1: 49 of 1,614,012 alleles (0.003%); highest among the groups gnomAD compares: Middle Eastern, 0.016%; no homozygotes.

Submissions (3):

Labcorp Genetics (formerly Invitae), Labcorp
Classification: Uncertain significance for Emery-Dreifuss muscular dystrophy 4, autosomal dominant; Autosomal recessive ataxia, Beauce type. Last evaluated: 2025-11-17. Review status: criteria provided, single submitter. Criteria: Invitae Variant Classification Sherloc (09022015). Collection method: clinical testing. Allele origin: germline.
Comment: This sequence change replaces methionine, which is neutral and non-polar, with valine, which is neutral and non-polar, at codon 7915 of the SYNE1 protein (p.Met7915Val). This variant is present in population databases (rs140784556, gnomAD 0.002%). This variant has not been reported in the literature in individuals affected with SYNE1-related conditions. ClinVar contains an entry for this variant (Variation ID: 1901143). An algorithm developed to predict the effect of missense changes on protein structure and function outputs the following: PolyPhen-2: "Benign". The valine amino acid residue is found in multiple mammalian species, which suggests that this missense change does not adversely affect protein function. In summary, the available evidence is currently insufficient to determine the role of this variant in disease. Therefore, it has been classified as a Variant of Uncertain Significance.

GeneDx
Classification: Uncertain significance. Last evaluated: 2024-12-04. Review status: criteria provided, single submitter. Criteria: GeneDx Variant Classification Process June 2021. Collection method: clinical testing. Allele origin: germline. Affected: yes.
Comment: Not observed at significant frequency in large population cohorts (gnomAD); In silico analysis supports that this missense variant has a deleterious effect on protein structure/function; Has not been previously published as pathogenic or benign to our knowledge

Revvity Omics, Revvity
Classification: Uncertain significance. Last evaluated: 2022-04-20. Review status: criteria provided, single submitter. Criteria: ACMG Guidelines, 2015. Collection method: clinical testing. Allele origin: germline.